The following is an entry in ClinVar:

ClinVar aggregate classification (germline): Uncertain significance. Review status: criteria provided, multiple submitters, no conflicts (2 of 4 stars). 3 submissions from 3 submitters: Uncertain significance (2). 1 of the submissions does not count toward it. Last evaluated 2025-06-07.

Conditions:
Fraser syndrome 2 (FRASRS2). Identifiers: MedGen C4540036, MONDO:0054738, OMIM 617666.
Isolated cryptophthalmia. Also called: ANKYLOBLEPHARON, SIMPLE; Cryptophthalmos, unilateral or bilateral, isolated. Identifiers: Orphanet 91396, MedGen C1852453, MONDO:0007410, OMIM 123570.
FREM2-related disorder. Also called: FREM2-related condition.
Inborn genetic diseases. Identifiers: MedGen C0950123, MeSH D030342.

gnomAD v4.1: 11 of 1,613,892 alleles (0.00068%); highest among the groups gnomAD compares: Non-Finnish European, 0.00093%; no homozygotes.

Submissions (3):

Ambry Genetics
Classification: Uncertain significance for Inborn genetic diseases. Last evaluated: 2025-06-07. Review status: criteria provided, single submitter. Criteria: Ambry Variant Classification Scheme 2023. Collection method: clinical testing. Allele origin: germline.

Fulgent Genetics
Classification: Uncertain significance for Isolated cryptophthalmia; Fraser syndrome 2. Last evaluated: 2024-06-18. Review status: criteria provided, single submitter. Criteria: ACMG Guidelines, 2015. Collection method: clinical testing. Allele origin: germline.

PreventionGenetics, part of Exact Sciences
Classification: Uncertain significance for FREM2-related condition. Last evaluated: 2024-06-07. Review status: no assertion criteria provided. Collection method: clinical testing. Allele origin: germline. Not counted in ClinVar's aggregate classification.
Comment: The FREM2 c.9193A>G variant is predicted to result in the amino acid substitution p.Ile3065Val. To our knowledge, this variant has not been reported in the literature. This variant is reported in 0.0023% of alleles in individuals of European (Non-Finnish) descent in gnomAD. At this time, the clinical significance of this variant is uncertain due to the absence of conclusive functional and genetic evidence.

NM_207361.6(FREM2):c.9193A>G (p.Ile3065Val)

Gene: FREM2 (FRAS1 related extracellular matrix 2; plus strand). Cytogenetic location: 13q13.3.
Variant type: single nucleotide variant.
Coding change: c.9193A>G on transcript NM_207361.6 (MANE Select); coding-DNA position 9193, A replaced by G.
Protein change: p.Ile3065Val; replaces isoleucine 3065 with valine.
Molecular consequence: missense variant.
Genome position (GRCh38, 1-based): chr13:38,880,470, A>G. VCF-style: chr13-38880470-A-G. GRCh37 (hg19) VCF-style: chr13-39454607-A-G.
Other names: c.9193A>G (NM_207361.4); short protein forms I3065V.
Identifiers: ClinVar variation 3357673 (VCV003357673.3).